The following is an entry in ClinVar:

ClinVar aggregate classification (germline): Pathogenic (1 of 4 stars; one submission).

Submission:

Ambry Genetics
Classification: Pathogenic. Last evaluated: 2026-05-12. Review status: criteria provided, single submitter. Criteria: Ambry Variant Classification Scheme 2023. Collection method: clinical testing. Allele origin: germline.
Comment: The c.995_996delAG (p.Q332Rfs*39) alteration, located in exon 10 (coding exon 9) of the CAPRIN1 gene, consists of a deletion of 2 nucleotides from position 995 to 996, causing a translational frameshift with a predicted alternate stop codon after 39 amino acids. This variant is expected to result in loss of function by premature protein truncation or nonsense-mediated mRNA decay. This variant was not reported in population-based cohorts in the Genome Aggregation Database (gnomAD). Based on the available evidence, this alteration is classified as pathogenic.

NM_005898.5(CAPRIN1):c.995_996del (p.Gln332fs)

Gene: CAPRIN1 (cell cycle associated protein 1; plus strand). Cytogenetic location: 11p13.
Variant type: Deletion.
Coding change: c.995_996del on transcript NM_005898.5 (MANE Select); coding-DNA positions 995 to 996, 2 bases deleted (AG; older notation c.995_996delAG).
Protein change: p.Gln332fs; shifts the reading frame from glutamine 332.
Molecular consequence: frameshift variant.
Genome position (GRCh38, 1-based): chr11:34,086,092-34,086,093, AG deleted. VCF-style (leftmost placement, unchanged base first): chr11-34086091-CAG-C. GRCh37 (hg19) VCF-style: chr11-34107638-CAG-C.
Other names: c.995_996del, p.Gln332fs (NM_203364.3); short protein forms Q332fs.
Identifiers: ClinVar variation 4868159 (VCV004868159.1).